The following is an entry in ClinVar:

NM_020338.4(ZMIZ1):c.541-4A>T

Gene: ZMIZ1 (zinc finger MIZ-type containing 1; plus strand). Cytogenetic location: 10q22.3.
Variant type: single nucleotide variant.
Coding change: c.541-4A>T on transcript NM_020338.4 (MANE Select); 4 bases into the intron before coding-DNA position 541, A replaced by T.
Molecular consequence: intron variant.
Genome position (GRCh38, 1-based): chr10:79,290,955, A>T. VCF-style: chr10-79290955-A-T. GRCh37 (hg19) VCF-style: chr10-81050712-A-T.
Identifiers: ClinVar variation 2228784 (VCV002228784.2), dbSNP rs756442103, ClinGen allele CA5572392.
Genomic context (GRCh38, chr10:79,290,955, plus strand): 5'-TCCCTCTTCCTCTCCACACTGCCTCGGGTAGCACCTTAGGTGACAACCACTTCTCTGCCC[A>T]CAGGTCCTTGGGAACCCTATGGCCAATGCCAACAACCCCATGAATCCAGGCGGCAACCCC-3'

ClinVar aggregate classification (germline): Uncertain significance (1 of 4 stars; one submission).

Conditions:
Inborn genetic diseases. Identifiers: MedGen C0950123, MeSH D030342.

Allele frequency attached by ClinVar (database versions not stated): ExAC 0.00002.
gnomAD v4.1: 17 of 1,612,538 alleles (0.0011%); highest among the groups gnomAD compares: South Asian, 0.018%; no homozygotes.

Submission:

Ambry Genetics
Classification: Uncertain significance for Inborn genetic diseases. Last evaluated: 2021-01-27. Review status: criteria provided, single submitter. Criteria: Ambry Variant Classification Scheme 2023. Collection method: clinical testing. Allele origin: germline.
Comment: The c.541-4A>T intronic alteration consists of a A to T substitution 4 nucleotides before coding exon 6 in the ZMIZ1 gene. Based on insufficient or conflicting evidence, the clinical significance of this alteration remains unclear.